The following is an entry in ClinVar:

NM_001002755.4(NFU1):c.48C>T (p.Ala16=)

Genes: NFU1 (NFU1 iron-sulfur cluster scaffold; minus strand), LOC129934004 (ATAC-STARR-seq lymphoblastoid active region 15971; plus strand). Cytogenetic location: 2p13.3.
Variant type: single nucleotide variant.
Coding change: c.48C>T on transcript NM_001002755.4 (MANE Select); coding-DNA position 48, C replaced by T.
Protein change: p.Ala16=; no amino-acid change (alanine 16 retained).
Molecular consequence: synonymous variant. On other transcripts: intron variant (1), non-coding transcript variant (2), 5 prime UTR variant (2).
Genome position (GRCh38, 1-based): chr2:69,437,375, G>A on the plus strand (C>T on the coding strand, the complement: NFU1 is on the minus strand). VCF-style: chr2-69437375-G-A. GRCh37 (hg19) VCF-style: chr2-69664507-G-A.
Other names: c.-11+678C>T (NM_001374284.1); c.-115C>T (NM_015700.4); c.-330C>T (NM_001002756.2).
Identifiers: ClinVar variation 378271 (VCV000378271.1), dbSNP rs370197557, ClinGen allele CA1694327.

ClinVar aggregate classification (germline): Likely benign (1 of 4 stars; one submission).

Allele frequency attached by ClinVar (database versions not stated): ESP Exome Variant Server 0.00008; TOPMed 0.00003 and 0.00002.
gnomAD v4.1: 54 of 1,608,348 alleles (0.0034%); highest among the groups gnomAD compares: Non-Finnish European, 0.0044%; no homozygotes.

Submission:

GeneDx
Classification: Likely benign. Last evaluated: 2016-11-22. Review status: criteria provided, single submitter. Criteria: GeneDx Variant Classification (06012015). Collection method: clinical testing. Allele origin: germline. Affected: yes.
Comment: This variant is considered likely benign or benign based on one or more of the following criteria: it is a conservative change, it occurs at a poorly conserved position in the protein, it is predicted to be benign by multiple in silico algorithms, and/or has population frequency not consistent with disease.